The following is an entry in ClinVar:

ClinVar aggregate classification (germline): Uncertain significance. Review status: criteria provided, multiple submitters, no conflicts (2 of 4 stars). 2 submissions from 2 submitters: Uncertain significance (2). Last evaluated 2025-07-08.

Conditions:
Leber congenital amaurosis 13 (LCA13). Identifiers: MedGen C2675186, MONDO:0012990, OMIM 612712.

Allele frequency attached by ClinVar (database versions not stated): gnomAD exomes below 0.00001.
gnomAD v4.1: 2 of 1,599,332 alleles (0.00013%); highest among the groups gnomAD compares: Admixed American, 0.0017%; no homozygotes.

Submissions (2):

GeneDx
Classification: Uncertain significance. Last evaluated: 2025-07-08. Review status: criteria provided, single submitter. Criteria: GeneDx Variant Classification Process June 2021. Collection method: clinical testing. Allele origin: germline. Affected: yes.
Comment: Not observed at significant frequency in large population cohorts (gnomAD); In silico analysis supports that this missense variant has a deleterious effect on protein structure/function; This variant is associated with the following publications: (PMID: 39693083)

Labcorp Genetics (formerly Invitae), Labcorp
Classification: Uncertain significance for Leber congenital amaurosis 13. Last evaluated: 2024-06-13. Review status: criteria provided, single submitter. Criteria: Invitae Variant Classification Sherloc (09022015). Collection method: clinical testing. Allele origin: germline.
Comment: This sequence change replaces histidine, which is basic and polar, with proline, which is neutral and non-polar, at codon 267 of the RDH12 protein (p.His267Pro). This variant is present in population databases (no rsID available, gnomAD 0.003%). This missense change has been observed in individual(s) with clinical features of autosomal recessive inherited retinal dystrophy (Invitae). ClinVar contains an entry for this variant (Variation ID: 1055402). Advanced modeling of protein sequence and biophysical properties (such as structural, functional, and spatial information, amino acid conservation, physicochemical variation, residue mobility, and thermodynamic stability) has been performed at Invitae for this missense variant, however the output from this modeling did not meet the statistical confidence thresholds required to predict the impact of this variant on RDH12 protein function. In summary, the available evidence is currently insufficient to determine the role of this variant in disease. Therefore, it has been classified as a Variant of Uncertain Significance.

NM_152443.3(RDH12):c.800A>C (p.His267Pro)

Genes: ZFYVE26 (zinc finger FYVE-type containing 26; minus strand), GPHN (gephyrin; plus strand), RDH12 (retinol dehydrogenase 12; plus strand). Cytogenetic location: 14q24.1.
Variant type: single nucleotide variant.
Coding change: c.800A>C on transcript NM_152443.3 (MANE Select); coding-DNA position 800, A replaced by C.
Protein change: p.His267Pro; replaces histidine 267 with proline.
Molecular consequence: missense variant.
Genome position (GRCh38, 1-based): chr14:67,729,332, A>C. VCF-style: chr14-67729332-A-C. GRCh37 (hg19) VCF-style: chr14-68196049-A-C.
Other names: c.800A>C (NM_152443.2); short protein forms H267P.
Identifiers: ClinVar variation 1055402 (VCV001055402.9), dbSNP rs1424264350, ClinGen allele CA390153240.
Genomic context (GRCh38, chr14:67,729,332, plus strand): 5'-TCTGGCGGCTCTTCTCCCCCTTTGTCAAGACGGCACGGGAGGGGGCGCAGACCAGCCTGC[A>C]CTGCGCCCTGGCTGAGGGCCTGGAGCCCCTGAGTGGCAAGTACTTCAGGTGTGTGAAGGC-3'
Protein context (NP_689656.2, residues 257-277): TAREGAQTSL[His267Pro]CALAEGLEPL